The following is an entry in ClinVar:

ClinVar aggregate classification (germline): Uncertain significance (1 of 4 stars; one submission).

Submission:

Ambry Genetics
Classification: Uncertain significance. Last evaluated: 2023-02-24. Review status: criteria provided, single submitter. Criteria: Ambry Variant Classification Scheme 2023. Collection method: clinical testing. Allele origin: germline.
Comment: The p.M394K variant (also known as c.1181T>A), located in coding exon 3 of the ALPK2 gene, results from a T to A substitution at nucleotide position 1181. The methionine at codon 394 is replaced by lysine, an amino acid with similar properties. This amino acid position is conserved. In addition, this alteration is predicted to be tolerated by in silico analysis. Since supporting evidence is limited at this time, the clinical significance of this alteration remains unclear.

NM_052947.4(ALPK2):c.1181T>A (p.Met394Lys)

Genes: ALPK2 (alpha kinase 2; minus strand), LOC114803473 (ALPK2 eExon liver enhancer; plus strand). Cytogenetic location: 18q21.31.
Variant type: single nucleotide variant.
Coding change: c.1181T>A on transcript NM_052947.4 (MANE Select); coding-DNA position 1181, T replaced by A.
Protein change: p.Met394Lys; replaces methionine 394 with lysine.
Molecular consequence: missense variant.
Genome position (GRCh38, 1-based): chr18:58,579,595, A>T on the plus strand (T>A on the coding strand, the complement: ALPK2 is on the minus strand). VCF-style: chr18-58579595-A-T. GRCh37 (hg19) VCF-style: chr18-56246827-A-T.
Other names: short protein forms M394K.
Identifiers: ClinVar variation 2449293 (VCV002449293.2), dbSNP rs2518899345, ClinGen allele CA402564286.